The following is an entry in ClinVar:

NM_000021.4(PSEN1):c.*1147C>T

Gene: PSEN1 (presenilin 1; plus strand). Cytogenetic location: 14q24.2.
Variant type: single nucleotide variant.
Coding change: c.*1147C>T on transcript NM_000021.4 (MANE Select); 1147 bases downstream of the stop codon, C replaced by T.
Molecular consequence: 3 prime UTR variant.
Genome position (GRCh38, 1-based): chr14:73,220,436, C>T. VCF-style: chr14-73220436-C-T. GRCh37 (hg19) VCF-style: chr14-73687144-C-T.
Other names: c.*1147C>T (NM_007318.3).
Identifiers: ClinVar variation 313962 (VCV000313962.8), dbSNP rs165935, ClinGen allele CA10644637.
Genomic context (GRCh38, chr14:73,220,436, plus strand): 5'-AAGAAGAGTAAAATGGCTGTTGAAGCACTTTCTGTCCTGGTATTTTGTTTTTGCTTTTGC[C>T]ACACAGTAGCTCAGAATTTGAACAAATAGCCAAAAGCTGGTGGTTGATGAATTATGAACT-3'

ClinVar aggregate classification (germline): Benign. Review status: criteria provided, multiple submitters, no conflicts (2 of 4 stars). 4 submissions from 3 submitters: Benign (4). Last evaluated 2021-05-14.

Conditions:
Alzheimer disease 3 (AD3). Also called: ALZHEIMER DISEASE, FAMILIAL, 3. Identifiers: Orphanet 1020, MedGen C1843013, MONDO:0011913, OMIM 607822.
Dilated cardiomyopathy 1U. Identifiers: Orphanet 154, MedGen C3160720, MONDO:0013371, OMIM 613694.

Allele frequency attached by ClinVar (database versions not stated): gnomAD exomes 0.52174; gnomAD 0.61302 and 0.61830; TOPMed 0.63128; 1000 Genomes Project 0.67033; 1000 Genomes Project 30x 0.67442.
gnomAD v4.1: 94,078 of 152,500 alleles (62%); highest among the groups gnomAD compares: African/African-American, 73%; 29,632 homozygotes.

Submissions (4):

GeneDx
Classification: Benign. Last evaluated: 2021-05-14. Review status: criteria provided, single submitter. Criteria: GeneDx Variant Classification Process June 2021. Collection method: clinical testing. Allele origin: germline. Affected: yes.

Illumina Laboratory Services, Illumina
Classification: Benign for Alzheimer disease 3. Last evaluated: 2018-01-13. Review status: criteria provided, single submitter. Criteria: ICSL Variant Classification Criteria 13 December 2019. Collection method: clinical testing. Allele origin: germline.
Comment: This variant was observed in the ICSL laboratory as part of a predisposition screen in an ostensibly healthy population. It had not been previously curated by ICSL or reported in the Human Gene Mutation Database (HGMD: prior to June 1st, 2018), and was therefore a candidate for classification through an automated scoring system. Utilizing variant allele frequency, disease prevalence and penetrance estimates, and inheritance mode, an automated score was calculated to assess if this variant is too frequent to cause the disease. Based on the score and internal cut-off values, a variant classified as benign is not then subjected to further curation. The score for this variant resulted in a classification of benign for this disease.

Illumina Laboratory Services, Illumina
Classification: Benign for Dilated cardiomyopathy 1U. Last evaluated: 2018-01-13. Review status: criteria provided, single submitter. Criteria: ICSL Variant Classification Criteria 13 December 2019. Collection method: clinical testing. Allele origin: germline.
Comment: the same text as in the submission from Illumina Laboratory Services, Illumina above.

Breakthrough Genomics
Classification: Benign. Review status: criteria provided, single submitter. Criteria: ACMG Guidelines, 2015. Collection method: not provided. Allele origin: germline. Inheritance: Autosomal dominant inheritance. Affected: yes.